The following is an entry in ClinVar:

NM_001352514.2(HLCS):c.2371C>G (p.Leu791Val)

Gene: HLCS (holocarboxylase synthetase; minus strand). Cytogenetic location: 21q22.13.
Variant type: single nucleotide variant.
Coding change: c.2371C>G on transcript NM_001352514.2 (MANE Select); coding-DNA position 2371, C replaced by G.
Protein change: p.Leu791Val; replaces leucine 791 with valine.
Molecular consequence: missense variant. On other transcripts: non-coding transcript variant (2).
Genome position (GRCh38, 1-based): chr21:36,756,621, G>C on the plus strand (C>G on the coding strand, the complement: HLCS is on the minus strand). VCF-style: chr21-36756621-G-C. GRCh37 (hg19) VCF-style: chr21-38128922-G-C.
Other names: c.1930C>G, p.Leu644Val (NM_000411.8, NM_001242784.3, NM_001242785.2 and 4 more transcripts); short protein forms L644V, L791V.
Identifiers: ClinVar variation 1023771 (VCV001023771.10), dbSNP rs748447457, ClinGen allele CA409919083.
Genomic context (GRCh38, chr21:36,756,621, plus strand): 5'-AATAAAGGGGAAGGACGCTGTTGGGCCCTTTGTCCTGAAACTCTTTGATCAGTTTCTCCA[G>C]CACAGTCACGACTCTGGCGATGAGATAATCGGCTCTTAAGGGCTTCAGTTCTGCCTTGTG-3'
Protein context (NP_001339443.1, residues 781-801): DYLIARVVTV[Leu791Val]EKLIKEFQDK

ClinVar aggregate classification (germline): Uncertain significance. Review status: criteria provided, single submitter (1 of 4 stars). 2 submissions from 2 submitters: Uncertain significance (1). 1 of the submissions does not count toward it. Last evaluated 2021-08-30.

Conditions:
Holocarboxylase synthetase deficiency. Also called: MULTIPLE CARBOXYLASE DEFICIENCY, EARLY ONSET. Identifiers: Orphanet 79242, MedGen C0268581, MONDO:0009666, OMIM 253270.

Allele frequency attached by ClinVar (database versions not stated): gnomAD 0.00001.
gnomAD v4.1: 3 of 1,614,056 alleles (0.00019%); highest among the groups gnomAD compares: African/African-American, 0.0013%; no homozygotes.

Submissions (2):

Labcorp Genetics (formerly Invitae), Labcorp
Classification: Uncertain significance for Holocarboxylase synthetase deficiency. Last evaluated: 2021-08-30. Review status: criteria provided, single submitter. Criteria: Invitae Variant Classification Sherloc (09022015). Collection method: clinical testing. Allele origin: germline.
Comment: This sequence change replaces leucine with valine at codon 644 of the HLCS protein (p.Leu644Val). The leucine residue is moderately conserved and there is a small physicochemical difference between leucine and valine. This variant is not present in population databases (ExAC no frequency). This variant has not been reported in the literature in individuals affected with HLCS-related conditions. Algorithms developed to predict the effect of missense changes on protein structure and function are either unavailable or do not agree on the potential impact of this missense change (SIFT: "Tolerated"; PolyPhen-2: "Possibly Damaging"; Align-GVGD: "Class C0"). In summary, the available evidence is currently insufficient to determine the role of this variant in disease. Therefore, it has been classified as a Variant of Uncertain Significance.

Natera, Inc.
Classification: Uncertain significance for Holocarboxylase synthetase deficiency. Last evaluated: 2020-05-19. Review status: no assertion criteria provided. Collection method: clinical testing. Allele origin: germline. Not counted in ClinVar's aggregate classification.